The following is an entry in ClinVar:

ClinVar aggregate classification (germline): Uncertain significance (1 of 4 stars; one submission).

Submission:

Labcorp Genetics (formerly Invitae), Labcorp
Classification: Uncertain significance. Last evaluated: 2024-10-24. Review status: criteria provided, single submitter. Criteria: Invitae Variant Classification Sherloc (09022015). Collection method: clinical testing. Allele origin: germline.
Comment: This sequence change replaces lysine, which is basic and polar, with threonine, which is neutral and polar, at codon 191 of the ADD3 protein (p.Lys191Thr). This variant is not present in population databases (gnomAD no frequency). This variant has not been reported in the literature in individuals affected with ADD3-related conditions. ClinVar contains an entry for this variant (Variation ID: 2080950). Invitae Evidence Modeling of protein sequence and biophysical properties (such as structural, functional, and spatial information, amino acid conservation, physicochemical variation, residue mobility, and thermodynamic stability) indicates that this missense variant is expected to disrupt ADD3 protein function with a positive predictive value of 80%. In summary, the available evidence is currently insufficient to determine the role of this variant in disease. Therefore, it has been classified as a Variant of Uncertain Significance.

NM_016824.5(ADD3):c.572A>C (p.Lys191Thr)

Gene: ADD3 (adducin 3; plus strand). Cytogenetic location: 10q25.2.
Variant type: single nucleotide variant.
Coding change: c.572A>C on transcript NM_016824.5 (MANE Select); coding-DNA position 572, A replaced by C.
Protein change: p.Lys191Thr; replaces lysine 191 with threonine.
Molecular consequence: missense variant.
Genome position (GRCh38, 1-based): chr10:110,118,591, A>C. VCF-style: chr10-110118591-A-C. GRCh37 (hg19) VCF-style: chr10-111878349-A-C.
Other names: c.572A>C, p.Lys191Thr (NM_001121.4, NM_001320591.2, NM_001320592.2 and 2 more transcripts); c.338A>C, p.Lys113Thr (NM_001320594.2); short protein forms K113T, K191T.
Identifiers: ClinVar variation 2080950 (VCV002080950.4), dbSNP rs2495982394, ClinGen allele CA378366906.